The following is an entry in ClinVar:

ClinVar aggregate classification (germline): Uncertain significance. Review status: criteria provided, multiple submitters, no conflicts (2 of 4 stars). 2 submissions from 2 submitters: Uncertain significance (2). Last evaluated 2025-08-01.

Conditions:
Inborn genetic diseases. Identifiers: MedGen C0950123, MeSH D030342.
Anterior segment dysgenesis 8 (ASGD8). Identifiers: Orphanet 519388, MedGen C4310622, MONDO:0015017, OMIM 617319.

gnomAD v4.1: 5 of 1,613,456 alleles (0.00031%); highest among the groups gnomAD compares: Admixed American, 0.0083%; no homozygotes.

Submissions (2):

3billion
Classification: Uncertain significance for Anterior segment dysgenesis 8. Last evaluated: 2025-08-01. Review status: criteria provided, single submitter. Criteria: ACMG Guidelines, 2015. Collection method: clinical testing. Allele origin: germline. Affected: yes.
Comment: The variant is observed at an extremely low frequency in the gnomAD v4.1.0 dataset (total allele frequency: <0.001%). Predicted Consequence/Location: Missense variant. The majority of the known disease-causing variants of this gene are variants expected to result in premature termination of the protein. In silico tool predictions suggest damaging effect of the variant on gene or gene product [REVEL: 0.73 (>=0.6, sensitivity 0.68 and specificity 0.92)]. Therefore, this variant is classified as VUS according to the recommendation of ACMG/AMP guideline.

Ambry Genetics
Classification: Uncertain significance for Inborn genetic diseases. Last evaluated: 2025-04-18. Review status: criteria provided, single submitter. Criteria: Ambry Variant Classification Scheme 2023. Collection method: clinical testing. Allele origin: germline.

NM_015692.5(CPAMD8):c.506A>G (p.Asp169Gly)

Gene: CPAMD8 (C3 and PZP like alpha-2-macroglobulin domain containing 8; minus strand). Cytogenetic location: 19p13.11.
Variant type: single nucleotide variant.
Coding change: c.506A>G on transcript NM_015692.5 (MANE Select); coding-DNA position 506, A replaced by G.
Protein change: p.Asp169Gly; replaces aspartic acid 169 with glycine.
Molecular consequence: missense variant. On other transcripts: non-coding transcript variant (1).
Genome position (GRCh38, 1-based): chr19:17,008,558, T>C on the plus strand (A>G on the coding strand, the complement: CPAMD8 is on the minus strand). VCF-style: chr19-17008558-T-C. GRCh37 (hg19) VCF-style: chr19-17119368-T-C.
Other names: short protein forms D169G.
Identifiers: ClinVar variation 4006124 (VCV004006124.2).